The following is an entry in ClinVar:

ClinVar aggregate classification (germline): Uncertain significance (1 of 4 stars; one submission).

Allele frequency attached by ClinVar (database versions not stated): gnomAD exomes below 0.00001; TOPMed below 0.00001; ExAC 0.00001; ESP Exome Variant Server 0.00008.

Submission:

Labcorp Genetics (formerly Invitae), Labcorp
Classification: Uncertain significance. Last evaluated: 2022-07-05. Review status: criteria provided, single submitter. Criteria: Invitae Variant Classification Sherloc (09022015). Collection method: clinical testing. Allele origin: germline.
Comment: This sequence change replaces leucine, which is neutral and non-polar, with phenylalanine, which is neutral and non-polar, at codon 537 of the USH2A protein (p.Leu537Phe). This variant is present in population databases (rs375779739, gnomAD 0.007%). This variant has not been reported in the literature in individuals affected with USH2A-related conditions. Algorithms developed to predict the effect of missense changes on protein structure and function output the following: SIFT: "Deleterious"; PolyPhen-2: "Benign"; Align-GVGD: "Class C0". The phenylalanine amino acid residue is found in multiple mammalian species, which suggests that this missense change does not adversely affect protein function. In summary, the available evidence is currently insufficient to determine the role of this variant in disease. Therefore, it has been classified as a Variant of Uncertain Significance.

NM_206933.4(USH2A):c.1609C>T (p.Leu537Phe)

Gene: USH2A (usherin; minus strand). Cytogenetic location: 1q41.
Variant type: single nucleotide variant.
Coding change: c.1609C>T on transcript NM_206933.4 (MANE Select); coding-DNA position 1609, C replaced by T.
Protein change: p.Leu537Phe; replaces leucine 537 with phenylalanine.
Molecular consequence: missense variant.
Genome position (GRCh38, 1-based): chr1:216,321,918, G>A on the plus strand (C>T on the coding strand, the complement: USH2A is on the minus strand). VCF-style: chr1-216321918-G-A. GRCh37 (hg19) VCF-style: chr1-216495260-G-A.
Other names: c.1609C>T, p.Leu537Phe (NM_007123.6); short protein forms L537F.
Identifiers: ClinVar variation 1954261 (VCV001954261.4), dbSNP rs375779739, ClinGen allele CA1396458.